The following is an entry in ClinVar:

NC_000001.10:g.(?_103412385)_(103449767_?)del

Gene: COL11A1 (collagen type XI alpha 1 chain; minus strand). Cytogenetic location: 1p21.1.
Variant type: Deletion.
Identifiers: ClinVar variation 2424277 (VCV002424277.4).

ClinVar aggregate classification (germline): Pathogenic (1 of 4 stars; one submission).

Submission:

Labcorp Genetics (formerly Invitae), Labcorp
Classification: Pathogenic. Last evaluated: 2023-04-26. Review status: criteria provided, single submitter. Criteria: Invitae Variant Classification Sherloc (09022015). Collection method: clinical testing. Allele origin: germline.
Comment: For these reasons, this variant has been classified as Pathogenic. A similar copy number variant has been observed in individual(s) with autosomal dominant Stickler syndrome (PMID: 10573014). It has also been observed to segregate with disease in related individuals. This variant is a gross deletion of the genomic region encompassing exon(s) 31-42 of the COL11A1 gene. This variant would be expected to be in-frame, preserving the integrity of the reading frame.

Literature cited by the submitters: PubMed 10573014.